The following is an entry in ClinVar:

NM_000553.6(WRN):c.1253C>T (p.Ala418Val)

Gene: WRN (WRN RecQ like helicase; plus strand). Cytogenetic location: 8p12.
Variant type: single nucleotide variant.
Coding change: c.1253C>T on transcript NM_000553.6 (MANE Select); coding-DNA position 1253, C replaced by T.
Protein change: p.Ala418Val; replaces alanine 418 with valine.
Molecular consequence: missense variant.
Genome position (GRCh38, 1-based): chr8:31,081,280, C>T. VCF-style: chr8-31081280-C-T. GRCh37 (hg19) VCF-style: chr8-30938796-C-T.
Other names: short protein forms A418V.
Identifiers: ClinVar variation 2907994 (VCV002907994.3), dbSNP rs1344419143, ClinGen allele CA370921519.
Genomic context (GRCh38, chr8:31,081,280, plus strand): 5'-CAGAACATGAACTCCAAATTTTGGAACAGCAGTCTCAGGAAGAATATCTTAGTGATATTG[C>T]TTATAAATCTACTGAGGTACTAAATAAAGAGGAAGCACATTTTTAGTTATTAGTAGGTTC-3'
Protein context (NP_000544.2, residues 408-428): QSQEEYLSDI[Ala418Val]YKSTEHLSPN

ClinVar aggregate classification (germline): Uncertain significance (1 of 4 stars; one submission).

Conditions:
Werner syndrome (WRN). Identifiers: Orphanet 902, MedGen C0043119, MONDO:0010196, OMIM 277700.

Submission:

Labcorp Genetics (formerly Invitae), Labcorp
Classification: Uncertain significance for Werner syndrome. Last evaluated: 2023-03-22. Review status: criteria provided, single submitter. Criteria: Invitae Variant Classification Sherloc (09022015). Collection method: clinical testing. Allele origin: germline.
Comment: This variant is not present in population databases (gnomAD no frequency). This sequence change replaces alanine, which is neutral and non-polar, with valine, which is neutral and non-polar, at codon 418 of the WRN protein (p.Ala418Val). This variant has not been reported in the literature in individuals affected with WRN-related conditions. In summary, the available evidence is currently insufficient to determine the role of this variant in disease. Therefore, it has been classified as a Variant of Uncertain Significance. An algorithm developed to predict the effect of missense changes on protein structure and function (PolyPhen-2) suggests that this variant is likely to be tolerated.